The following is an entry in ClinVar:

ClinVar aggregate classification (germline): Uncertain significance (1 of 4 stars; one submission).

Conditions:
Gingival disorder. Also called: Gingival disease. Identifiers: MedGen C0017563, MONDO:0002021.

Allele frequency attached by ClinVar (database versions not stated): gnomAD exomes below 0.00001.

Submission:

Labcorp Genetics (formerly Invitae), Labcorp
Classification: Uncertain significance for Gingival disorder. Last evaluated: 2025-12-20. Review status: criteria provided, single submitter. Criteria: Invitae Variant Classification Sherloc (09022015). Collection method: clinical testing. Allele origin: germline.
Comment: This sequence change replaces valine, which is neutral and non-polar, with isoleucine, which is neutral and non-polar, at codon 18 of the FPR1 protein (p.Val18Ile). This variant is present in population databases (no rsID available, gnomAD 0.0009%). This variant has not been reported in the literature in individuals affected with FPR1-related conditions. ClinVar contains an entry for this variant (Variation ID: 2042999). An algorithm developed to predict the effect of missense changes on protein structure and function outputs the following: PolyPhen-2: "Benign". The isoleucine amino acid residue is found in multiple mammalian species, which suggests that this missense change does not adversely affect protein function. In summary, the available evidence is currently insufficient to determine the role of this variant in disease. Therefore, it has been classified as a Variant of Uncertain Significance.

NM_002029.4(FPR1):c.52G>A (p.Val18Ile)

Gene: FPR1 (formyl peptide receptor 1; minus strand). Cytogenetic location: 19q13.41.
Variant type: single nucleotide variant.
Coding change: c.52G>A on transcript NM_002029.4 (MANE Select); coding-DNA position 52, G replaced by A.
Protein change: p.Val18Ile; replaces valine 18 with isoleucine.
Molecular consequence: missense variant.
Genome position (GRCh38, 1-based): chr19:51,746,943, C>T on the plus strand (G>A on the coding strand, the complement: FPR1 is on the minus strand). VCF-style: chr19-51746943-C-T. GRCh37 (hg19) VCF-style: chr19-52250196-C-T.
Other names: c.52G>A, p.Val18Ile (NM_001193306.2); short protein forms V18I.
Identifiers: ClinVar variation 2042999 (VCV002042999.4), dbSNP rs1345693963, ClinGen allele CA407121393.